The following is an entry in ClinVar:

NM_022095.4(ZNF335):c.2443-2A>T

Gene: ZNF335 (zinc finger protein 335; minus strand). Cytogenetic location: 20q13.12.
Variant type: single nucleotide variant.
Coding change: c.2443-2A>T on transcript NM_022095.4 (MANE Select); the canonical splice acceptor site of the intron before coding-DNA position 2443, A replaced by T.
Molecular consequence: splice acceptor variant.
Genome position (GRCh38, 1-based): chr20:45,953,950, T>A on the plus strand (A>T on the coding strand, the complement: ZNF335 is on the minus strand). VCF-style: chr20-45953950-T-A. GRCh37 (hg19) VCF-style: chr20-44582589-T-A.
Identifiers: ClinVar variation 2075061 (VCV002075061.1), dbSNP rs2083680371, ClinGen allele CA409241290.
Genomic context (GRCh38, chr20:45,953,950, plus strand): 5'-GGCTGCCCACCAGGGGATGCTAACCCTGCTTCCACATCTTCCGACTTCACCACAGCCACC[T>A]GCAACGGCACCAGGGGGCGGGATGGGAGGCACTGGTGGCAGAGGAGCGGGTATGCAAGAC-3'

ClinVar aggregate classification (germline): Likely pathogenic (1 of 4 stars; one submission).

Allele frequency attached by ClinVar (database versions not stated): TOPMed below 0.00001; gnomAD 0.00002.
gnomAD v4.1: 3 of 1,583,022 alleles (0.00019%); highest among the groups gnomAD compares: Admixed American, 0.0055%; no homozygotes.

Submission:

Labcorp Genetics (formerly Invitae), Labcorp
Classification: Likely pathogenic. Last evaluated: 2018-04-05. Review status: criteria provided, single submitter. Criteria: Invitae Variant Classification Sherloc (09022015). Collection method: clinical testing. Allele origin: germline.
Comment: This sequence change affects an acceptor splice site in intron 17 of the ZNF335 gene. It is expected to disrupt RNA splicing and likely results in an absent or disrupted protein product. This variant is not present in population databases (ExAC no frequency). This variant has not been reported in the literature in individuals with ZNF335-related disease. Donor and acceptor splice site variants typically lead to a loss of protein function (PMID: 16199547), and loss-of-function variants in ZNF335 are known to be pathogenic (PMID: 23178126, 26795593). In summary, the currently available evidence indicates that the variant is pathogenic, but additional data are needed to prove that conclusively. Therefore, this variant has been classified as Likely Pathogenic.

Literature cited by the submitters: PubMed 16199547; PubMed 23178126; PubMed 26795593.